The following is an entry in ClinVar:

NM_138694.4(PKHD1):c.5297C>G (p.Ser1766Ter)

Gene: PKHD1 (PKHD1 ciliary IPT domain containing fibrocystin/polyductin; minus strand). Cytogenetic location: 6p12.2.
Variant type: single nucleotide variant.
Coding change: c.5297C>G on transcript NM_138694.4 (MANE Select); coding-DNA position 5297, C replaced by G.
Protein change: p.Ser1766Ter; replaces serine 1766 with a stop codon.
Molecular consequence: nonsense.
Genome position (GRCh38, 1-based): chr6:52,022,884, G>C on the plus strand (C>G on the coding strand, the complement: PKHD1 is on the minus strand). VCF-style: chr6-52022884-G-C. GRCh37 (hg19) VCF-style: chr6-51887682-G-C.
Other names: c.5297C>G, p.Ser1766Ter (NM_170724.3); short protein forms S1766*.
Identifiers: ClinVar variation 5015382 (VCV005015382.1).

ClinVar aggregate classification (germline): Pathogenic (1 of 4 stars; one submission).

Conditions:
Polycystic kidney disease 4 (PKD4). Also called: PKD3; Autosomal Recessive Polycystic Kidney Disease – PKHD1; POLYCYSTIC KIDNEY AND HEPATIC DISEASE 1; POLYCYSTIC KIDNEY DISEASE, INFANTILE, TYPE I; POLYCYSTIC KIDNEY DISEASE 4 WITH OR WITHOUT POLYCYSTIC LIVER DISEASE. Identifiers: MedGen C4540575, MONDO:0033004, OMIM 263200.

Submission:

Myriad Genetics, Inc.
Classification: Pathogenic for Polycystic kidney disease 4. Last evaluated: 2026-01-01. Review status: criteria provided, single submitter. Criteria: Myriad Autosomal Dominant, Autosomal Recessive and X-Linked Classification Criteria (2023). Collection method: clinical testing. Allele origin: unknown.
Comment: NM_138694.3(PKHD1):c.5297C>G(S1766*) is expected to be pathogenic in the context of autosomal recessive polycystic kidney disease, PKHD1-related. This variant is predicted to lead to an abnormal or absent protein product due to the creation of a premature termination codon in PKHD1, a gene where loss-of-function variants are known to be pathogenic. Please note: this variant was assessed in the context of healthy population screening.